The following is an entry in ClinVar:

NM_033380.3(COL4A5):c.2237G>C (p.Gly746Ala)

Gene: COL4A5 (collagen type IV alpha 5 chain; plus strand). Cytogenetic location: Xq22.3.
Variant type: single nucleotide variant.
Coding change: c.2237G>C on transcript NM_033380.3 (MANE Select); coding-DNA position 2237, G replaced by C.
Protein change: p.Gly746Ala; replaces glycine 746 with alanine.
Molecular consequence: missense variant.
Genome position (GRCh38, 1-based): chrX:108,603,054, G>C. VCF-style: chrX-108603054-G-C. GRCh37 (hg19) VCF-style: chrX-107846284-G-C.
Other names: c.2237G>C, p.Gly746Ala (NM_000495.5); short protein forms G746A.
Identifiers: ClinVar variation 5003840 (VCV005003840.1).

ClinVar aggregate classification (germline): Uncertain significance (1 of 4 stars; one submission).

Conditions:
X-linked Alport syndrome (ATS1). Also called: COL4A5-Related Nephropathy; NEPHROPATHY AND DEAFNESS, X-LINKED. Identifiers: Orphanet 63, Orphanet 88917, MedGen C4746986, MONDO:0010520, OMIM 301050.

Submission:

Myriad Genetics, Inc.
Classification: Uncertain significance for X-linked Alport syndrome. Last evaluated: 2026-04-01. Review status: criteria provided, single submitter. Criteria: Myriad Autosomal Dominant, Autosomal Recessive and X-Linked Classification Criteria (2023). Collection method: clinical testing. Allele origin: unknown.
Comment: NM_000495.4(COL4A5):c.2237G>C(G746A) is a missense variant classified as a variant of uncertain significance in the context of X-linked Alport syndrome. G746A has not been observed in cases with relevant disease. Relevant functional assessments of this variant are not available in the literature. G746A has not been observed in referenced population frequency databases. In summary, there is insufficient evidence to classify NM_000495.4(COL4A5):c.2237G>C(G746A) as pathogenic or benign. Please note: this variant was assessed in the context of healthy population screening.